The following is an entry in ClinVar:

ClinVar aggregate classification (germline): Likely benign (1 of 4 stars; one submission).

Conditions:
Wilms tumor 1 (WT1). Also called: Wilms tumor, somatic. Identifiers: Orphanet 654, MedGen CN033288, MONDO:0008679, OMIM 194070.

gnomAD v4.1: 1 of 1,611,320 alleles (0.000062%); highest among the groups gnomAD compares: Non-Finnish European, 0.000085%; no homozygotes.

Submission:

All of Us Research Program, National Institutes of Health
Classification: Likely benign for Wilms tumor 1. Last evaluated: 2023-10-27. Review status: criteria provided, single submitter. Criteria: ACMG Guidelines, 2015. Collection method: clinical testing. Allele origin: germline. Inheritance: Autosomal dominant inheritance. Observed: 1 variant allele, 1 heterozygote.
Comment: This study involves interpretation of variants in research participants for the purpose of population health screening. Participant phenotype was not available at the time of variant classification. Additional details can be found in publication PMID: 35346344, PMCID: PMC8962531

NM_024426.6(WT1):c.662-14C>T

Gene: WT1 (WT1 transcription factor; minus strand). Cytogenetic location: 11p13.
Variant type: single nucleotide variant.
Coding change: c.662-14C>T on transcript NM_024426.6 (MANE Select); 14 bases into the intron before coding-DNA position 662, C replaced by T.
Molecular consequence: intron variant.
Genome position (GRCh38, 1-based): chr11:32,428,633, G>A on the plus strand (C>T on the coding strand, the complement: WT1 is on the minus strand). VCF-style: chr11-32428633-G-A. GRCh37 (hg19) VCF-style: chr11-32450179-G-A.
Other names: c.662-575C>T (NM_001407050.1, NM_001407047.1); c.662-14C>T (NM_001407048.1, NM_001407049.1, NM_000378.6 and 4 more transcripts); c.-101-14C>T (NM_001407051.1); c.11-14C>T (NM_001198552.2, NM_001198551.2).
Identifiers: ClinVar variation 3074174 (VCV003074174.1), dbSNP rs2133076457, ClinGen allele CA2612987888.